The following is an entry in ClinVar:

ClinVar aggregate classification (germline): Pathogenic (1 of 4 stars; one submission).

Conditions:
Deficiency of UDPglucose-hexose-1-phosphate uridylyltransferase. Also called: GALT deficiency; Galactosemia, classic; GALACTOSE-1-PHOSPHATE URIDYLYLTRANSFERASE DEFICIENCY; Transferase Deficiency Galactosemia; GALACTOSEMIA I. Identifiers: Orphanet 352, Orphanet 79239, MedGen C0268151, MONDO:0009258, OMIM 230400.

Submission:

Labcorp Genetics (formerly Invitae), Labcorp
Classification: Pathogenic for Deficiency of UDPglucose-hexose-1-phosphate uridylyltransferase. Last evaluated: 2024-01-22. Review status: criteria provided, single submitter. Criteria: Invitae Variant Classification Sherloc (09022015). Collection method: clinical testing. Allele origin: germline.
Comment: This sequence change replaces methionine, which is neutral and non-polar, with threonine, which is neutral and polar, at codon 177 of the GALT protein (p.Met177Thr). This variant is not present in population databases (gnomAD no frequency). This missense change has been observed in individual(s) with galactose-1-phosphate uridylyltransferase deficiency (Invitae). In at least one individual the data is consistent with being in trans (on the opposite chromosome) from a pathogenic variant. ClinVar contains an entry for this variant (Variation ID: 1426580). Advanced modeling of protein sequence and biophysical properties (such as structural, functional, and spatial information, amino acid conservation, physicochemical variation, residue mobility, and thermodynamic stability) performed at Invitae indicates that this missense variant is expected to disrupt GALT protein function with a positive predictive value of 95%. For these reasons, this variant has been classified as Pathogenic.

NM_000155.4(GALT):c.530T>C (p.Met177Thr)

Gene: GALT (galactose-1-phosphate uridylyltransferase; plus strand). Cytogenetic location: 9p13.3.
Variant type: single nucleotide variant.
Coding change: c.530T>C on transcript NM_000155.4 (MANE Select); coding-DNA position 530, T replaced by C.
Protein change: p.Met177Thr; replaces methionine 177 with threonine.
Molecular consequence: missense variant.
Genome position (GRCh38, 1-based): chr9:34,648,137, T>C. VCF-style: chr9-34648137-T-C. GRCh37 (hg19) VCF-style: chr9-34648134-T-C.
Other names: c.203T>C, p.Met68Thr (NM_001258332.2); short protein forms M68T, M177T.
Identifiers: ClinVar variation 1426580 (VCV001426580.6), dbSNP rs2132343692, ClinGen allele CA373281489.